The following is an entry in ClinVar:

NM_025179.4(PLXNA2):c.1647T>C (p.Pro549=)

Gene: PLXNA2 (plexin A2; minus strand). Cytogenetic location: 1q32.2.
Variant type: single nucleotide variant.
Coding change: c.1647T>C on transcript NM_025179.4 (MANE Select); coding-DNA position 1647, T replaced by C.
Protein change: p.Pro549=; no amino-acid change (proline 549 retained).
Molecular consequence: synonymous variant.
Genome position (GRCh38, 1-based): chr1:208,098,930, A>G on the plus strand (T>C on the coding strand, the complement: PLXNA2 is on the minus strand). VCF-style: chr1-208098930-A-G. GRCh37 (hg19) VCF-style: chr1-208272275-A-G.
Identifiers: ClinVar variation 3059350 (VCV003059350.2), dbSNP rs1667004433, ClinGen allele CA422987734.

ClinVar aggregate classification (germline): Likely benign (0 of 4 stars; one submission).

Conditions:
PLXNA2-related disorder. Also called: PLXNA2-related condition.

Allele frequency attached by ClinVar (database versions not stated): TOPMed below 0.00001; gnomAD exomes 0.00001.
gnomAD v4.1: 8 of 1,613,508 alleles (0.0005%); highest among the groups gnomAD compares: Non-Finnish European, 0.00068%; no homozygotes.

Submission:

PreventionGenetics, part of Exact Sciences
Classification: Likely benign for PLXNA2-related condition. Last evaluated: 2022-12-16. Review status: no assertion criteria provided. Collection method: clinical testing. Allele origin: germline.
Comment: This variant is classified as likely benign based on ACMG/AMP sequence variant interpretation guidelines (Richards et al. 2015 PMID: 25741868, with internal and published modifications).